The following is an entry in ClinVar:

NM_007294.4(BRCA1):c.5162A>T (p.Gln1721Leu)

Gene: BRCA1 (BRCA1 DNA repair associated; minus strand). Cytogenetic location: 17q21.31.
Variant type: single nucleotide variant.
Coding change: c.5162A>T on transcript NM_007294.4 (MANE Select); coding-DNA position 5162, A replaced by T.
Protein change: p.Gln1721Leu; replaces glutamine 1721 with leucine.
Molecular consequence: missense variant. On other transcripts: non-coding transcript variant (1).
Genome position (GRCh38, 1-based): chr17:43,063,364, T>A on the plus strand (A>T on the coding strand, the complement: BRCA1 is on the minus strand). VCF-style: chr17-43063364-T-A. GRCh37 (hg19) VCF-style: chr17-41215381-T-A.
Other names: c.4949A>T, p.Gln1650Leu (NM_001407902.1, NM_001407904.1, NM_001407906.1 and 12 more transcripts); c.4946A>T, p.Gln1649Leu (NM_001407915.1, NM_001407916.1, NM_001407917.1 and 1 more transcripts); c.4898A>T, p.Gln1633Leu (NM_001407926.1, NM_001407920.1, NM_001407921.1 and 4 more transcripts); c.4895A>T, p.Gln1632Leu (NM_001407927.1, NM_001407928.1, NM_001407929.1 and 4 more transcripts); c.4892A>T, p.Gln1631Leu (NM_001407934.1, NM_001407935.1, NM_001407936.1); c.5018A>T, p.Gln1673Leu (NM_001407945.1, NM_001407734.1, NM_001407735.1 and 21 more transcripts); c.4829A>T, p.Gln1610Leu (NM_001407946.1, NM_001407947.1, NM_001407948.1 and 1 more transcripts); c.4826A>T, p.Gln1609Leu (NM_001407950.1, NM_001407951.1, NM_001407952.1 and 3 more transcripts); and 72 more; short protein forms Q1742L, Q617L, Q1674L, Q1721L, Q1424L, Q1552L, Q1649L, Q1679L.
Identifiers: ClinVar variation 867756 (VCV000867756.3), dbSNP rs2051867806, ClinGen allele CA10591220.
Genomic context (GRCh38, chr17:43,063,364, plus strand): 5'-CTGGTTAGTTTGTAACATCAAGTACTTACCTCATTCAGCATTTTTCTTTCTTTAATAGAC[T>A]GGGTCACCCCTAAAGAGATCATAGAAAAGACAGGTTACATACAGCAGAAGAACGTGCTCT-3'
Protein context (NP_009225.1, residues 1711-1731): KWVVSYFWVT[Gln1721Leu]SIKERKMLNE

Conditions:
Breast-ovarian cancer, familial, susceptibility to, 1 (BROVCA1). Also called: BRCA1 Hereditary Breast and Ovarian Cancer; OVARIAN CANCER, SUSCEPTIBILITY TO. Identifiers: Orphanet 145, MedGen C2676676, MONDO:0011450, OMIM 604370. Disease mechanism: loss of function.

Submission:

Brotman Baty Institute, University of Washington
No classification provided (evidence only). Condition: Breast-ovarian cancer, familial 1. Review status: no classification provided. Collection method: in vitro. Allele origin: not applicable. Functional consequence: functionally_normal.
ClinVar note: "not provided" was previously submitted as the classification for the variant. However, the classification appeared to be based only on an observation of functional data so it was converted to no classification on 2025-07-30.